The following is an entry in ClinVar:

ClinVar aggregate classification (germline): Uncertain significance. Review status: criteria provided, multiple submitters, no conflicts (2 of 4 stars). 2 submissions from 2 submitters: Uncertain significance (2). Last evaluated 2024-06-21.

Conditions:
Cardiovascular phenotype. Identifiers: MedGen CN230736.
RASopathy. Also called: Noonan spectrum disorder; rasopathies. Identifiers: Orphanet 536391, MedGen C5555857, MONDO:0021060.

Submissions (2):

Ambry Genetics
Classification: Uncertain significance for Cardiovascular phenotype. Last evaluated: 2024-06-21. Review status: criteria provided, single submitter. Criteria: Ambry Variant Classification Scheme 2023. Collection method: clinical testing. Allele origin: germline.
Comment: The p.C838R variant (also known as c.2512T>C), located in coding exon 16 of the SOS1 gene, results from a T to C substitution at nucleotide position 2512. The cysteine at codon 838 is replaced by arginine, an amino acid with highly dissimilar properties. This amino acid position is conserved. In addition, the in silico prediction for this alteration is inconclusive. Based on the available evidence, the clinical significance of this variant remains unclear.

Labcorp Genetics (formerly Invitae), Labcorp
Classification: Uncertain significance for RASopathy. Last evaluated: 2023-07-26. Review status: criteria provided, single submitter. Criteria: Invitae Variant Classification Sherloc (09022015). Collection method: clinical testing. Allele origin: germline.
Comment: This sequence change replaces cysteine, which is neutral and slightly polar, with arginine, which is basic and polar, at codon 838 of the SOS1 protein (p.Cys838Arg). This variant is not present in population databases (gnomAD no frequency). This variant has not been reported in the literature in individuals affected with SOS1-related conditions. ClinVar contains an entry for this variant (Variation ID: 1989096). An algorithm developed to predict the effect of missense changes on protein structure and function (PolyPhen-2) suggests that this variant is likely to be disruptive. In summary, the available evidence is currently insufficient to determine the role of this variant in disease. Therefore, it has been classified as a Variant of Uncertain Significance.

NM_005633.4(SOS1):c.2512T>C (p.Cys838Arg)

Gene: SOS1 (SOS Ras/Rac guanine nucleotide exchange factor 1; minus strand). Cytogenetic location: 2p22.1.
Variant type: single nucleotide variant.
Coding change: c.2512T>C on transcript NM_005633.4 (MANE Select); coding-DNA position 2512, T replaced by C.
Protein change: p.Cys838Arg; replaces cysteine 838 with arginine.
Molecular consequence: missense variant.
Genome position (GRCh38, 1-based): chr2:39,007,192, A>G on the plus strand (T>C on the coding strand, the complement: SOS1 is on the minus strand). VCF-style: chr2-39007192-A-G. GRCh37 (hg19) VCF-style: chr2-39234333-A-G.
Other names: c.2491T>C, p.Cys831Arg (NM_001382394.1); c.2512T>C, p.Cys838Arg (NM_001382395.1); short protein forms C838R, C831R.
Identifiers: ClinVar variation 1989096 (VCV001989096.5), dbSNP rs2528969542, ClinGen allele CA346363673.
Genomic context (GRCh38, chr2:39,007,192, plus strand): 5'-TCTCAATAATTCGACTCACCACAGCTACTCTTTCTTCTAAATTTTCAGTTTCTACAATAC[A>G]TCTGGGAATAAAAAAAAAGTGAACTAAAGGTTTTAGAGTTTTTCCAATAAAGTTATAGCT-3'
Protein context (NP_005624.2, residues 828-848): TTNLTLWFEK[Cys838Arg]IVETENLEER